The following is an entry in ClinVar:

NM_015937.6(PIGT):c.1096G>T (p.Gly366Trp)

Gene: PIGT (phosphatidylinositol glycan anchor biosynthesis class T; plus strand). Cytogenetic location: 20q13.12.
Variant type: single nucleotide variant.
Coding change: c.1096G>T on transcript NM_015937.6 (MANE Select); coding-DNA position 1096, G replaced by T.
Protein change: p.Gly366Trp; replaces glycine 366 with tryptophan.
Molecular consequence: missense variant. On other transcripts: non-coding transcript variant (5), intron variant (1).
Genome position (GRCh38, 1-based): chr20:45,421,445, G>T. VCF-style: chr20-45421445-G-T. GRCh37 (hg19) VCF-style: chr20-44050085-G-T.
Other names: c.928G>T, p.Gly310Trp (NM_001184728.3); c.790G>T, p.Gly264Trp (NM_001184730.3); c.1033+752G>T (NM_001184729.3); short protein forms G366W, G264W, G310W.
Identifiers: ClinVar variation 619956 (VCV000619956.4), dbSNP rs571714796, ClinGen allele CA9878165.
Genomic context (GRCh38, chr20:45,421,445, plus strand): 5'-GCCCCCCCAGTGCCCTTCCTGCATGCCCAGCGGTACGTGAGTGGCTATGGGCTGCAGAAG[G>T]GGGAGCTGAGCACACTGCTGTACAACACCCACCCATACCGGGCCTTCCCGGTGCTGCTGC-3'
Protein context (NP_057021.2, residues 356-376): RYVSGYGLQK[Gly366Trp]ELSTLLYNTH

ClinVar aggregate classification (germline): Likely pathogenic. Review status: criteria provided, single submitter (1 of 4 stars). 2 submissions from 2 submitters: Likely pathogenic (1). 1 of the submissions does not count toward it. Last evaluated 2022-05-18.

Conditions:
Multiple congenital anomalies-hypotonia-seizures syndrome 3 (MCAHS3). Also called: GLYCOSYLPHOSPHATIDYLINOSITOL BIOSYNTHESIS DEFECT 7. Identifiers: Orphanet 369837, MedGen C3809356, MONDO:0014165, OMIM 615398.

Allele frequency attached by ClinVar (database versions not stated): gnomAD exomes below 0.00001; ExAC 0.00001; TOPMed 0.00002; 1000 Genomes Project 30x 0.00016; 1000 Genomes Project 0.00020.
gnomAD v4.1: 1 of 1,614,172 alleles (0.000062%); highest among the groups gnomAD compares: South Asian, 0.0011%; no homozygotes.

Submissions (2):

GeneDx
Classification: Likely pathogenic. Last evaluated: 2022-05-18. Review status: criteria provided, single submitter. Criteria: GeneDx Variant Classification Process June 2021. Collection method: clinical testing. Allele origin: germline. Affected: yes.
Comment: Not observed in large population cohorts (gnomAD); In silico analysis supports that this missense variant has a deleterious effect on protein structure/function; This variant is associated with the following publications: (PMID: 31430258, 35551457, 28728837)

OMIM
Classification: Pathogenic for MULTIPLE CONGENITAL ANOMALIES-HYPOTONIA-SEIZURES SYNDROME 3. Last evaluated: 2023-05-26. Review status: no assertion criteria provided. Collection method: literature only. Allele origin: germline. Not counted in ClinVar's aggregate classification.

Literature cited by the submitters: PubMed 28728837 (cited by OMIM).